The following is an entry in ClinVar:

ClinVar aggregate classification (germline): Likely pathogenic. Review status: reviewed by expert panel (3 of 4 stars). 9 submissions from 9 submitters: Likely pathogenic (1). 8 of the submissions do not count toward it. Last evaluated 2019-09-29.

Conditions:
PAH-related disorder. Also called: PAH-related condition.
Phenylketonuria (PKU). Also called: Phenylketonuria (PKU); FOLLING DISEASE; OLIGOPHRENIA PHENYLPYRUVICA; Phenylketonurias. Identifiers: Orphanet 716, MedGen C0031485, MONDO:0009861, OMIM 261600. Disease mechanism: loss of function.

Allele frequency attached by ClinVar (database versions not stated): TOPMed 0.00001; gnomAD 0.00001; gnomAD exomes 0.00001.
gnomAD v4.1: 13 of 1,613,628 alleles (0.00081%); highest among the groups gnomAD compares: South Asian, 0.0044%; no homozygotes.

Submissions (9):

ClinGen PAH Variant Curation Expert Panel
Classification: Likely pathogenic for Phenylketonuria. Last evaluated: 2019-09-29. Review status: reviewed by expert panel. Criteria: ClinGen PAH ACMG Specifications v1. Collection method: curation. Allele origin: germline. Inheritance: Autosomal recessive inheritance.
Comment: The c.212G>A (p.Arg71His) variant in PAH has been reported in multiple individual with PAH deficiency with BH4 deficiency excluded (PP4_Moderate; PMID: 10495930, 26503515). This variant is absent in population databases (PM2). This variant was detected in trans with known pathogenic variant p.R408W (PM3). Computational evidence supports a deleterious effect. In summary, this variant meets criteria to be classified as likely pathogenic for PAH. PAH-specific ACMG/AMP criteria applied: PP4_Moderate, PM2, PM3, PP3.

Labcorp Genetics (formerly Invitae), Labcorp
Classification: Pathogenic for Phenylketonuria. Last evaluated: 2026-01-19. Review status: criteria provided, single submitter. Criteria: Invitae Variant Classification Sherloc (09022015). Collection method: clinical testing. Allele origin: germline. Not counted in ClinVar's aggregate classification.
Comment: This sequence change replaces arginine, which is basic and polar, with histidine, which is basic and polar, at codon 71 of the PAH protein (p.Arg71His). This variant is not present in population databases (gnomAD no frequency). This missense change has been observed in individual(s) with hyperphenylalaninemia (PMID: 10495930, 29390883, 32668217; BIOPKU). ClinVar contains an entry for this variant (Variation ID: 102633). Invitae Evidence Modeling of protein sequence and biophysical properties (such as structural, functional, and spatial information, amino acid conservation, physicochemical variation, residue mobility, and thermodynamic stability) indicates that this missense variant is not expected to disrupt PAH protein function with a negative predictive value of 80%. This variant disrupts the p.Arg71 amino acid residue in PAH. Other variant(s) that disrupt this residue have been observed in individuals with PAH-related conditions (PMID: 17627389), which suggests that this may be a clinically significant amino acid residue. For these reasons, this variant has been classified as Pathogenic.

Natera, Inc.
Classification: Pathogenic for Phenylketonuria. Last evaluated: 2025-09-02. Review status: criteria provided, single submitter. Criteria: Natera Variant Classification Schema (03/2026). Collection method: clinical testing. Allele origin: germline. Not counted in ClinVar's aggregate classification.
Comment: The c.212G>A variant in PAH is a missense variant predicted to cause substitution of arginine to histidine at amino acid 71. This variant is rare in the general population with a frequency below the threshold expected for the associated phenotype(s). This variant has been observed in one or more individuals affected with the associated recessive disease, as either homozygous or compound heterozygous with a second variant (PMID: 38706300, 32039316, 10495930, 33803550, 32668217). Computational prediction algorithms indicate this variant is likely to affect gene or protein function. Given the available evidence, this variant is classified as Pathogenic.

GeneDx
Classification: Likely pathogenic. Last evaluated: 2024-09-05. Review status: criteria provided, single submitter. Criteria: GeneDx Variant Classification Process June 2021. Collection method: clinical testing. Allele origin: germline. Affected: yes. Not counted in ClinVar's aggregate classification.
Comment: Not observed at significant frequency in large population cohorts (gnomAD); In silico analysis supports that this missense variant has a deleterious effect on protein structure/function; This variant is associated with the following publications: (PMID: 31130284, 38706300, 20140859, 29499199, 26503515, 30747360, 32668217, 32039316, 29390883, 33803550, 10495930)

Women's Health and Genetics/Laboratory Corporation of America, LabCorp
Classification: Likely pathogenic for Phenylketonuria. Last evaluated: 2024-03-08. Review status: criteria provided, single submitter. Criteria: LabCorp Variant Classification Summary - May 2015. Collection method: clinical testing. Allele origin: germline. Not counted in ClinVar's aggregate classification.
Comment: Variant summary: PAH c.212G>A (p.Arg71His) results in a non-conservative amino acid change located in the ACT domain (IPR002912) of the encoded protein sequence. Five of five in-silico tools predict a damaging effect of the variant on protein function. The variant was absent in 251342 control chromosomes. c.212G>A has been reported in the literature in individuals affected with Phenylalanine Hydroxylase Deficiency (Phenylketonuria) (e.g. Zekanowski_1999, Zhang_2018, Monies_2019, Yan_2020). These data indicate that the variant is likely to be associated with disease. To our knowledge, no experimental evidence demonstrating an impact on protein function has been reported. The following publications have been ascertained in the context of this evaluation (PMID: 26503515, 10495930, 29499199, 30747360, 31130284, 32039316, 29390883). ClinVar contains an entry for this variant (Variation ID: 102633). Based on the evidence outlined above, the variant was classified as likely pathogenic.

PreventionGenetics, part of Exact Sciences
Classification: Pathogenic for PAH-related condition. Last evaluated: 2023-05-17. Review status: criteria provided, single submitter. Criteria: ACMG Guidelines, 2015. Collection method: clinical testing. Allele origin: germline. Not counted in ClinVar's aggregate classification.
Comment: The PAH c.212G>A variant is predicted to result in the amino acid substitution p.Arg71His. This variant has been reported along with a second known pathogenic PAH variant in individuals with hyperphenylalaninemia (Zekanowski et al. 1999. PubMed ID: 10495930, patient IW in Table 1; Li et al. 2015. PubMed ID: 26503515; Hillert et al 2020. PubMed ID: 32668217). The p.Arg71 residue has been moderately conserved during evolution (Alamut Visual v2.10). It is located in a region of the PAH protein where it is thought to be involved in interdomain interactions in the protein monomer, and it is thought that a change in the amino acids in this region could result in a structural disturbance of the protein (Pey et al. 2007. PubMed ID: 17924342). Other variants that disrupt the same amion acid (e.g., p.Arg71Cys, p.Arg71Pro) have been reported in patients with phenylalanine hydroxylase deficiency (Wang et al. 2007. PubMed ID: 17627389; Hillert et al 2020. PubMed ID: 32668217). This variant has not been reported in a large population database, indicating this variant is rare. This variant has been interpreted as likely pathogenic or pathogenic by the majority of submitters to ClinVar, including the ClinGen PAH Variant Curation Expert Panel. Taken together, we classify the c.212G>A (p.Arg71His) variant as pathogenic.

Fulgent Genetics
Classification: Likely pathogenic for Phenylketonuria. Last evaluated: 2022-04-06. Review status: criteria provided, single submitter. Criteria: ACMG Guidelines, 2015. Collection method: clinical testing. Allele origin: unknown. Not counted in ClinVar's aggregate classification.

Counsyl
Classification: Uncertain significance for Phenylketonuria. Last evaluated: 2018-02-21. Review status: no assertion criteria provided. Collection method: clinical testing. Allele origin: unknown. Not counted in ClinVar's aggregate classification.

DeBelle Laboratory for Biochemical Genetics, MUHC/MCH RESEARCH INSTITUTE
No classification provided. Review status: no classification provided. Collection method: not provided. Allele origin: not provided. Not counted in ClinVar's aggregate classification.

Literature cited by the submitters: PubMed 10495930 (cited by 4 submitters); PubMed 29390883 (cited by 3 submitters); PubMed 32668217 (cited by Labcorp Genetics (formerly Invitae), Labcorp and Natera, Inc.); PubMed 17627389 (cited by Labcorp Genetics (formerly Invitae), Labcorp); PubMed 38706300 (cited by Natera, Inc.); PubMed 32039316 (cited by Natera, Inc. and Women's Health and Genetics/Laboratory Corporation of America, LabCorp); PubMed 33803550 (cited by Natera, Inc.); PubMed 26503515 (cited by Women's Health and Genetics/Laboratory Corporation of America, LabCorp and Counsyl); PubMed 29499199 (cited by Women's Health and Genetics/Laboratory Corporation of America, LabCorp); PubMed 30747360 (cited by Women's Health and Genetics/Laboratory Corporation of America, LabCorp); PubMed 31130284 (cited by Women's Health and Genetics/Laboratory Corporation of America, LabCorp); PubMed 17924342 (cited by Counsyl); PubMed 20140859 (cited by Counsyl).

NM_000277.3(PAH):c.212G>A (p.Arg71His)

Gene: PAH (phenylalanine hydroxylase; minus strand). Cytogenetic location: 12q23.2.
Variant type: single nucleotide variant.
Coding change: c.212G>A on transcript NM_000277.3 (MANE Select); coding-DNA position 212, G replaced by A.
Protein change: p.Arg71His; replaces arginine 71 with histidine.
Molecular consequence: missense variant.
Genome position (GRCh38, 1-based): chr12:102,894,875, C>T on the plus strand (G>A on the coding strand, the complement: PAH is on the minus strand). VCF-style: chr12-102894875-C-T. GRCh37 (hg19) VCF-style: chr12-103288653-C-T.
Other names: p.R71H:CGT>CAT; c.212G>A (NM_000277.2); c.212G>A, p.Arg71His (NM_001354304.2); short protein forms R71H.
Identifiers: ClinVar variation 102633 (VCV000102633.22), dbSNP rs62508695, ClinGen allele CA286499.